The following is an entry in ClinVar:

ClinVar aggregate classification (germline): Uncertain significance (1 of 4 stars; one submission).

Conditions:
EGFR-related lung cancer (EGFR). Identifiers: MedGen CN130014.

Submission:

Labcorp Genetics (formerly Invitae), Labcorp
Classification: Uncertain significance for EGFR-related lung cancer. Last evaluated: 2023-03-04. Review status: criteria provided, single submitter. Criteria: Invitae Variant Classification Sherloc (09022015). Collection method: clinical testing. Allele origin: germline.
Comment: This sequence change replaces serine, which is neutral and polar, with cysteine, which is neutral and slightly polar, at codon 553 of the EGFR protein (p.Ser553Cys). This variant is not present in population databases (gnomAD no frequency). This variant has not been reported in the literature in individuals affected with EGFR-related conditions. ClinVar contains an entry for this variant (Variation ID: 1347297). Advanced modeling of protein sequence and biophysical properties (such as structural, functional, and spatial information, amino acid conservation, physicochemical variation, residue mobility, and thermodynamic stability) performed at Invitae indicates that this missense variant is not expected to disrupt EGFR protein function. In summary, the available evidence is currently insufficient to determine the role of this variant in disease. Therefore, it has been classified as a Variant of Uncertain Significance.

NM_005228.5(EGFR):c.1658C>G (p.Ser553Cys)

Gene: EGFR (epidermal growth factor receptor; plus strand). Cytogenetic location: 7p11.2.
Variant type: single nucleotide variant.
Coding change: c.1658C>G on transcript NM_005228.5 (MANE Select); coding-DNA position 1658, C replaced by G.
Protein change: p.Ser553Cys; replaces serine 553 with cysteine.
Molecular consequence: missense variant.
Genome position (GRCh38, 1-based): chr7:55,163,759, C>G. VCF-style: chr7-55163759-C-G. GRCh37 (hg19) VCF-style: chr7-55231452-C-G.
Other names: c.1523C>G, p.Ser508Cys (NM_001346897.2, NM_001346899.2); c.1658C>G, p.Ser553Cys (NM_001346898.2, NM_201282.2, NM_201284.2); c.1499C>G, p.Ser500Cys (NM_001346900.2); c.857C>G, p.Ser286Cys (NM_001346941.2); short protein forms S508C, S553C, S286C, S500C.
Identifiers: ClinVar variation 1347297 (VCV001347297.6), dbSNP rs2128944657, ClinGen allele CA367580458.